The following is an entry in ClinVar:

NM_001394531.1(WDFY4):c.7449G>A (p.Leu2483=)

Gene: WDFY4 (WDFY family member 4; plus strand). Cytogenetic location: 10q11.23.
Variant type: single nucleotide variant.
Coding change: c.7449G>A on transcript NM_001394531.1 (MANE Select); coding-DNA position 7449, G replaced by A.
Protein change: p.Leu2483=; no amino-acid change (leucine 2483 retained).
Molecular consequence: synonymous variant.
Genome position (GRCh38, 1-based): chr10:48,900,232, G>A. VCF-style: chr10-48900232-G-A. GRCh37 (hg19) VCF-style: chr10-50108277-G-A.
Other names: c.7449G>A, p.Leu2483= (NM_020945.2).
Identifiers: ClinVar variation 3040599 (VCV003040599.2), dbSNP rs766753447, ClinGen allele CA5492702.

ClinVar aggregate classification (germline): Likely benign (0 of 4 stars; one submission).

Conditions:
WDFY4-related disorder. Also called: WDFY4-related condition.

Allele frequency attached by ClinVar (database versions not stated): gnomAD exomes 0.00001; ExAC 0.00005; gnomAD 0.00006; TOPMed 0.00009.
gnomAD v4.1: 26 of 1,551,476 alleles (0.0017%); highest among the groups gnomAD compares: African/African-American, 0.018%; no homozygotes.

Submission:

PreventionGenetics, part of Exact Sciences
Classification: Likely benign for WDFY4-related condition. Last evaluated: 2023-05-22. Review status: no assertion criteria provided. Collection method: clinical testing. Allele origin: germline.
Comment: This variant is classified as likely benign based on ACMG/AMP sequence variant interpretation guidelines (Richards et al. 2015 PMID: 25741868, with internal and published modifications).